The following is an entry in ClinVar:

ClinVar aggregate classification (germline): Uncertain significance (1 of 4 stars; one submission).

gnomAD v4.1: 9 of 1,550,622 alleles (0.00058%); highest among the groups gnomAD compares: Non-Finnish European, 0.00078%; no homozygotes.

Submission:

CeGaT Center for Human Genetics Tuebingen
Classification: Uncertain significance. Last evaluated: 2025-09-01. Review status: criteria provided, single submitter. Criteria: CeGaT Center For Human Genetics Tuebingen Variant Classification Criteria Version 2. Collection method: clinical testing. Allele origin: germline. Affected: yes. Observed: 1 variant allele.
Comment: OTOG: PM2, BP4

NM_001292063.2(OTOG):c.2918C>T (p.Thr973Ile)

Gene: OTOG (otogelin; plus strand). Cytogenetic location: 11p15.1.
Variant type: single nucleotide variant.
Coding change: c.2918C>T on transcript NM_001292063.2 (MANE Select); coding-DNA position 2918, C replaced by T.
Protein change: p.Thr973Ile; replaces threonine 973 with isoleucine.
Molecular consequence: missense variant.
Genome position (GRCh38, 1-based): chr11:17,591,500, C>T. VCF-style: chr11-17591500-C-T. GRCh37 (hg19) VCF-style: chr11-17613047-C-T.
Other names: c.2954C>T, p.Thr985Ile (NM_001277269.2); short protein forms T973I, T985I.
Identifiers: ClinVar variation 4281194 (VCV004281194.7).
Genomic context (GRCh38, chr11:17,591,500, plus strand): 5'-TGTTTTTCAGTGTGTGCCAGCGGGGCTCATTCCAGTGCACCCTGCACCCTTGCGCCTCCA[C>T]CTGCACTGCCTATGGGGACCGGCATTACCGCACGTTTGATGGGCTCCCGTTTGACTTCGT-3'
Protein context (NP_001278992.1, residues 963-983): FQCTLHPCAS[Thr973Ile]CTAYGDRHYR